The following is an entry in ClinVar:

NM_182931.3(KMT2E):c.2144C>T (p.Thr715Ile)

Gene: KMT2E (lysine methyltransferase 2E (inactive); plus strand). Cytogenetic location: 7q22.3.
Variant type: single nucleotide variant.
Coding change: c.2144C>T on transcript NM_182931.3 (MANE Select); coding-DNA position 2144, C replaced by T.
Protein change: p.Thr715Ile; replaces threonine 715 with isoleucine.
Molecular consequence: missense variant.
Genome position (GRCh38, 1-based): chr7:105,102,142, C>T. VCF-style: chr7-105102142-C-T. GRCh37 (hg19) VCF-style: chr7-104742589-C-T.
Other names: c.2144C>T, p.Thr715Ile (NM_001410908.1, NM_018682.4); short protein forms T715I.
Identifiers: ClinVar variation 2186609 (VCV002186609.4), dbSNP rs1199629210, ClinGen allele CA368785399.

ClinVar aggregate classification (germline): Uncertain significance (1 of 4 stars; one submission).

Allele frequency attached by ClinVar (database versions not stated): gnomAD exomes below 0.00001; TOPMed 0.00001.
gnomAD v4.1: 6 of 1,612,516 alleles (0.00037%); highest among the groups gnomAD compares: Non-Finnish European, 0.00042%; no homozygotes.

Submission:

Labcorp Genetics (formerly Invitae), Labcorp
Classification: Uncertain significance. Last evaluated: 2022-06-14. Review status: criteria provided, single submitter. Criteria: Invitae Variant Classification Sherloc (09022015). Collection method: clinical testing. Allele origin: germline.
Comment: In summary, the available evidence is currently insufficient to determine the role of this variant in disease. Therefore, it has been classified as a Variant of Uncertain Significance. Algorithms developed to predict the effect of missense changes on protein structure and function are either unavailable or do not agree on the potential impact of this missense change (SIFT: "Deleterious"; PolyPhen-2: "Possibly Damaging"; Align-GVGD: "Class C0"). This variant has not been reported in the literature in individuals affected with KMT2E-related conditions. This variant is not present in population databases (gnomAD no frequency). This sequence change replaces threonine, which is neutral and polar, with isoleucine, which is neutral and non-polar, at codon 715 of the KMT2E protein (p.Thr715Ile).